The following is an entry in ClinVar:

ClinVar aggregate classification (germline): Uncertain significance (1 of 4 stars; one submission).

Conditions:
Charcot-Marie-Tooth disease type 4. Also called: Charcot-Marie-Tooth, Type 4; Charcot-Marie-Tooth disease, type IV. Identifiers: Orphanet 64749, MedGen C4082197, MONDO:0018995.

Submission:

Labcorp Genetics (formerly Invitae), Labcorp
Classification: Uncertain significance for Charcot-Marie-Tooth disease type 4. Last evaluated: 2016-01-29. Review status: criteria provided, single submitter. Criteria: Invitae Variant Classification Sherloc (09022015). Collection method: clinical testing. Allele origin: germline.
Comment: This sequence change replaces valine with alanine at codon 1435 of the PRX protein (p.Val1435Ala). The valine residue is moderately conserved and there is a small physicochemical difference between valine and alanine. This variant is not present in population databases (ExAC no frequency) and has not been reported in the literature in individuals with a PRX-related disease. Algorithms developed to predict the effect of missense changes on protein structure and function do not agree on the potential impact of this missense change (SIFT: "Deleterious"; PolyPhen-2: "Benign"; Align-GVGD: "Class C0"). In summary, this is a novel missense change with uncertain impact on protein function. It has been classified as a Variant of Uncertain Significance.

NM_181882.3(PRX):c.4304T>C (p.Val1435Ala)

Gene: PRX (periaxin; minus strand). Cytogenetic location: 19q13.2.
Variant type: single nucleotide variant.
Coding change: c.4304T>C on transcript NM_181882.3 (MANE Select); coding-DNA position 4304, T replaced by C.
Protein change: p.Val1435Ala; replaces valine 1435 with alanine.
Molecular consequence: missense variant. On other transcripts: 3 prime UTR variant (1).
Genome position (GRCh38, 1-based): chr19:40,394,048, A>G on the plus strand (T>C on the coding strand, the complement: PRX is on the minus strand). VCF-style: chr19-40394048-A-G. GRCh37 (hg19) VCF-style: chr19-40899955-A-G.
Other names: c.*4509T>C (NM_020956.2); short protein forms V1435A.
Identifiers: ClinVar variation 242186 (VCV000242186.8), dbSNP rs878855285, ClinGen allele CA10583804.
Genomic context (GRCh38, chr19:40,394,048, plus strand): 5'-CCCTCCATCCTGGCCGGGCCTGGAGCCCCTGTCTCTGAAAACCCCACGCTGGGCAGCCGC[A>G]CCCGCAATCCACCCTCTTCCTGGTCCCCACTCCCACTCCGGGCCTTGGGGCTTAGGGACA-3'
Protein context (NP_870998.2, residues 1425-1445): SGDQEEGGLR[Val1435Ala]RLPSVGFSET